The following is an entry in ClinVar:

ClinVar aggregate classification (germline): Uncertain significance (1 of 4 stars; one submission).

Conditions:
Inborn genetic diseases. Identifiers: MedGen C0950123, MeSH D030342.

gnomAD v4.1: 2 of 1,604,566 alleles (0.00012%); highest among the groups gnomAD compares: Non-Finnish European, 0.00017%; no homozygotes.

Submission:

Ambry Genetics
Classification: Uncertain significance for Inborn genetic diseases. Last evaluated: 2023-10-08. Review status: criteria provided, single submitter. Criteria: Ambry Variant Classification Scheme 2023. Collection method: clinical testing. Allele origin: germline.
Comment: The p.R2514K variant (also known as c.7541G>A), located in coding exon 51 of the LRRK2 gene, results from a G to A substitution at nucleotide position 7541. The arginine at codon 2514 is replaced by lysine, an amino acid with highly similar properties. This amino acid position is conserved. In addition, the in silico prediction for this alteration is inconclusive. Since supporting evidence is limited at this time, the clinical significance of this alteration remains unclear.

NM_198578.4(LRRK2):c.7541G>A (p.Arg2514Lys)

Gene: LRRK2 (leucine rich repeat kinase 2; plus strand). Cytogenetic location: 12q12.
Variant type: single nucleotide variant.
Coding change: c.7541G>A on transcript NM_198578.4 (MANE Select); coding-DNA position 7541, G replaced by A.
Protein change: p.Arg2514Lys; replaces arginine 2514 with lysine.
Molecular consequence: missense variant.
Genome position (GRCh38, 1-based): chr12:40,367,722, G>A. VCF-style: chr12-40367722-G-A. GRCh37 (hg19) VCF-style: chr12-40761524-G-A.
Other names: short protein forms R2514K.
Identifiers: ClinVar variation 3229800 (VCV003229800.1), dbSNP rs1565787068, ClinGen allele CA384416192.